The following is an entry in ClinVar:

ClinVar aggregate classification (germline): Uncertain significance (1 of 4 stars; one submission).

Allele frequency attached by ClinVar (database versions not stated): TOPMed below 0.00001; gnomAD 0.00002.
gnomAD v4.1: 3 of 1,576,986 alleles (0.00019%); highest among the groups gnomAD compares: African/African-American, 0.0041%; no homozygotes.

Submission:

Labcorp Genetics (formerly Invitae), Labcorp
Classification: Uncertain significance. Last evaluated: 2022-01-04. Review status: criteria provided, single submitter. Criteria: Invitae Variant Classification Sherloc (09022015). Collection method: clinical testing. Allele origin: germline.
Comment: This sequence change falls in intron 3 of the PIGB gene. It does not directly change the encoded amino acid sequence of the PIGB protein. It affects a nucleotide within the consensus splice site. This variant is present in population databases (no rsID available, gnomAD 0.005%). This variant has not been reported in the literature in individuals affected with PIGB-related conditions. Variants that disrupt the consensus splice site are a relatively common cause of aberrant splicing (PMID: 17576681, 9536098). Algorithms developed to predict the effect of sequence changes on RNA splicing suggest that this variant may disrupt the consensus splice site. In summary, the available evidence is currently insufficient to determine the role of this variant in disease. Therefore, it has been classified as a Variant of Uncertain Significance.

Literature cited by the submitters: PubMed 17576681; PubMed 9536098.

NM_004855.5(PIGB):c.417+6T>C

Gene: PIGB (phosphatidylinositol glycan anchor biosynthesis class B; plus strand). Cytogenetic location: 15q21.3.
Variant type: single nucleotide variant.
Coding change: c.417+6T>C on transcript NM_004855.5 (MANE Select); 6 bases into the intron after coding-DNA position 417, T replaced by C.
Molecular consequence: intron variant.
Genome position (GRCh38, 1-based): chr15:55,321,396, T>C. VCF-style: chr15-55321396-T-C. GRCh37 (hg19) VCF-style: chr15-55613594-T-C.
Identifiers: ClinVar variation 1968336 (VCV001968336.2), dbSNP rs1461797133, ClinGen allele CA618067934.
Genomic context (GRCh38, chr15:55,321,396, plus strand): 5'-TGCAAGCATTTACAAGATTCTTCATCTTTTAGGGAAAGATAGTGTTCAGTTGCTGGTAAG[T>C]TTAAATAAAAGTAACTAAATGATATTGGGGCCATGGAATTTGTTTTTAAAAGGCTACTGT-3'